The following is an entry in ClinVar:

ClinVar aggregate classification (germline): Likely benign. Review status: criteria provided, multiple submitters, no conflicts (2 of 4 stars). 5 submissions from 5 submitters: Likely benign (5). Last evaluated 2025-09-27.

Conditions:
Cardiomyopathy (CMYO). Also called: Cardiomyopathies. Identifiers: Orphanet 167848, MedGen C0878544, MONDO:0004994, HP:0001638. Inheritance: Various modes of inheritance.
Catecholaminergic polymorphic ventricular tachycardia 1. Also called: VENTRICULAR TACHYCARDIA, CATECHOLAMINERGIC POLYMORPHIC, 1, WITH OR WITHOUT ATRIAL DYSFUNCTION AND/OR DILATED CARDIOMYOPATHY; RYR2-Related Catecholaminergic Polymorphic Ventricular Tachycardia; VENTRICULAR TACHYCARDIA, STRESS-INDUCED POLYMORPHIC 1. Identifiers: Orphanet 3286, MedGen C1631597, MONDO:0011484, OMIM 604772.
Cardiovascular phenotype. Identifiers: MedGen CN230736.
Catecholaminergic polymorphic ventricular tachycardia (CVPT). Also called: Catecholamine-induced polymorphic ventricular tachycardia. Identifiers: Orphanet 3286, MedGen C5574922, MONDO:0017990.

Allele frequency attached by ClinVar (database versions not stated): TOPMed 0.00002; gnomAD 0.00003 and 0.00004.
gnomAD v4.1: 27 of 1,613,686 alleles (0.0017%); highest among the groups gnomAD compares: East Asian, 0.0022%; no homozygotes.

Submissions (5):

Labcorp Genetics (formerly Invitae), Labcorp
Classification: Likely benign for Catecholaminergic polymorphic ventricular tachycardia 1. Last evaluated: 2025-09-27. Review status: criteria provided, single submitter. Criteria: Invitae Variant Classification Sherloc (09022015). Collection method: clinical testing. Allele origin: germline.

All of Us Research Program, National Institutes of Health
Classification: Likely benign for Catecholaminergic polymorphic ventricular tachycardia. Last evaluated: 2024-02-05. Review status: criteria provided, single submitter. Criteria: ACMG Guidelines, 2015. Collection method: clinical testing. Allele origin: germline. Inheritance: Autosomal dominant inheritance. Observed: 6 variant alleles, 6 heterozygotes.
Comment: This study involves interpretation of variants in research participants for the purpose of population health screening. Participant phenotype was not available at the time of variant classification. Additional details can be found in publication PMID: 35346344, PMCID: PMC8962531

Ambry Genetics
Classification: Likely benign for Cardiovascular phenotype. Last evaluated: 2019-05-02. Review status: criteria provided, single submitter. Criteria: Ambry Variant Classification Scheme 2023. Collection method: clinical testing. Allele origin: germline.

Color Diagnostics, LLC DBA Color Health
Classification: Likely benign for Cardiomyopathy. Last evaluated: 2018-11-16. Review status: criteria provided, single submitter. Criteria: ACMG Guidelines, 2015. Collection method: clinical testing. Allele origin: germline.

Breakthrough Genomics
Classification: Likely benign. Review status: criteria provided, single submitter. Criteria: ACMG Guidelines, 2015. Collection method: not provided. Allele origin: germline. Inheritance: Autosomal dominant inheritance. Affected: yes.

NM_001035.3(RYR2):c.6279C>T (p.Asp2093=)

Gene: RYR2 (ryanodine receptor 2; plus strand). Cytogenetic location: 1q43.
Variant type: single nucleotide variant.
Coding change: c.6279C>T on transcript NM_001035.3 (MANE Select); coding-DNA position 6279, C replaced by T.
Protein change: p.Asp2093=; no amino-acid change (aspartic acid 2093 retained).
Molecular consequence: synonymous variant.
Genome position (GRCh38, 1-based): chr1:237,627,919, C>T. VCF-style: chr1-237627919-C-T. GRCh37 (hg19) VCF-style: chr1-237791219-C-T.
Other names: c.6279C>T, p.Asp2093= (LRG_402t1).
Identifiers: ClinVar variation 532403 (VCV000532403.18), dbSNP rs771328006, ClinGen allele CA423821807.